The following is an entry in ClinVar:

NM_015178.3(RHOBTB2):c.1869_1870del (p.Ala624fs)

Gene: RHOBTB2 (Rho related BTB domain containing 2; plus strand). Cytogenetic location: 8p21.3.
Variant type: Microsatellite.
Coding change: c.1869_1870del on transcript NM_015178.3 (MANE Select); coding-DNA positions 1869 to 1870, 2 bases deleted (TG; older notation c.1869_1870delTG).
Protein change: p.Ala624fs; shifts the reading frame from alanine 624.
Molecular consequence: frameshift variant.
Genome position (GRCh38, 1-based): chr8:23,015,646-23,015,647, TG deleted; deleting any 2 consecutive bases within chr8:23,015,644-23,015,647 gives the same sequence; the c. name uses the placement nearest the transcript's 3' end. VCF-style (leftmost placement, unchanged base first): chr8-23015643-CTG-C. GRCh37 (hg19) VCF-style: chr8-22873156-CTG-C.
Other names: c.1935_1936del, p.Ala646fs (NM_001160036.2); c.1890_1891del, p.Ala631fs (NM_001160037.2); c.1869_1870del, p.Ala624fs (NM_001374791.1); short protein forms A631fs, A624fs, A646fs.
Identifiers: ClinVar variation 2814284 (VCV002814284.3), dbSNP rs2487050604, ClinGen allele CA2739279568.

ClinVar aggregate classification (germline): Uncertain significance (1 of 4 stars; one submission).

Submission:

Labcorp Genetics (formerly Invitae), Labcorp
Classification: Uncertain significance. Last evaluated: 2022-11-14. Review status: criteria provided, single submitter. Criteria: Invitae Variant Classification Sherloc (09022015). Collection method: clinical testing. Allele origin: germline.
Comment: This sequence change creates a premature translational stop signal (p.Ala646Valfs*62) in the RHOBTB2 gene. While this is not anticipated to result in nonsense mediated decay, it is expected to disrupt the last 104 amino acid(s) of the RHOBTB2 protein. This variant is not present in population databases (gnomAD no frequency). This variant has not been reported in the literature in individuals affected with RHOBTB2-related conditions. Experimental studies and prediction algorithms are not available or were not evaluated, and the functional significance of this variant is currently unknown. In summary, the available evidence is currently insufficient to determine the role of this variant in disease. Therefore, it has been classified as a Variant of Uncertain Significance.